The following is an entry in ClinVar:

NM_021815.5(SLC5A7):c.381C>T (p.Gly127=)

Gene: SLC5A7 (solute carrier family 5 member 7; plus strand). Cytogenetic location: 2q12.3.
Variant type: single nucleotide variant.
Coding change: c.381C>T on transcript NM_021815.5 (MANE Select); coding-DNA position 381, C replaced by T.
Protein change: p.Gly127=; no amino-acid change (glycine 127 retained).
Molecular consequence: synonymous variant. On other transcripts: 5 prime UTR variant (1).
Genome position (GRCh38, 1-based): chr2:107,993,060, C>T. VCF-style: chr2-107993060-C-T. GRCh37 (hg19) VCF-style: chr2-108609516-C-T.
Other names: c.381C>T (NM_021815.4); c.381C>T, p.Gly127= (NM_001305005.3); c.66C>T, p.Gly22= (NM_001305006.3); c.-324C>T (NM_001305007.3).
Identifiers: ClinVar variation 779485 (VCV000779485.5), dbSNP rs539420582, ClinGen allele CA1818942.

ClinVar aggregate classification (germline): Likely benign. Review status: criteria provided, multiple submitters, no conflicts (2 of 4 stars). 2 submissions from 2 submitters: Likely benign (2). Last evaluated 2025-09-26.

Conditions:
SLC5A7-related disorder. Also called: SLC5A7-related condition.
Neuronopathy, distal hereditary motor, type 7A. Also called: Neuronopathy, distal hereditary motor, type viia; HMN VIIA; NEURONOPATHY, DISTAL HEREDITARY MOTOR, HARDING TYPE VIIA; NEUROPATHY, DISTAL HEREDITARY MOTOR, HARDING TYPE VIIA; SPINAL MUSCULAR ATROPHY, DISTAL, WITH VOCAL CORD PARALYSIS; HARPER-YOUNG MYOPATHY. Identifiers: Orphanet 139589, MedGen C1834703, MONDO:0008024, OMIM 158580.
Congenital myasthenic syndrome 20. Also called: Myasthenic syndrome, congenital, 20, presynaptic. Identifiers: MedGen C4310694, MONDO:0014939, OMIM 617143.

Allele frequency attached by ClinVar (database versions not stated): TOPMed below 0.00001; gnomAD 0.00001; gnomAD exomes 0.00001 and 0.00002; ExAC 0.00004; 1000 Genomes Project 30x 0.00016; 1000 Genomes Project 0.00020.
gnomAD v4.1: 20 of 1,614,200 alleles (0.0012%); highest among the groups gnomAD compares: Middle Eastern, 0.016%; 1 homozygote.

Submissions (2):

PreventionGenetics, part of Exact Sciences
Classification: Likely benign for SLC5A7-related condition. Last evaluated: 2025-09-26. Review status: criteria provided, single submitter. Criteria: ACMG Guidelines, 2015. Collection method: clinical testing. Allele origin: germline.
Comment: This variant is classified as likely benign based on ACMG/AMP sequence variant interpretation guidelines (Richards et al. 2015 PMID: 25741868, with internal and published modifications).

Labcorp Genetics (formerly Invitae), Labcorp
Classification: Likely benign for Neuronopathy, distal hereditary motor, type 7A; Congenital myasthenic syndrome 20. Last evaluated: 2025-09-05. Review status: criteria provided, single submitter. Criteria: Invitae Variant Classification Sherloc (09022015). Collection method: clinical testing. Allele origin: germline.